The following is an entry in ClinVar:

NM_001105206.3(LAMA4):c.5315del (p.Gly1772fs)

Gene: LAMA4 (laminin subunit alpha 4; minus strand). Cytogenetic location: 6q21.
Variant type: Deletion.
Coding change: c.5315del on transcript NM_001105206.3 (MANE Select); coding-DNA position 5315, one base deleted (G; older notation c.5315delG).
Protein change: p.Gly1772fs; shifts the reading frame from glycine 1772.
Molecular consequence: frameshift variant.
Genome position (GRCh38, 1-based): chr6:112,114,087, C deleted on the plus strand (G on the coding strand, the reverse complement: LAMA4 is on the minus strand); the first of 2 consecutive C bases (chr6:112,114,087-112,114,088); deleting either gives the same sequence. VCF-style (leftmost placement, unchanged base first): chr6-112114086-TC-T. GRCh37 (hg19) VCF-style: chr6-112435289-TC-T.
Other names: c.5294delG (NM_002290.3); c.5294del, p.Gly1765fs (NM_001105207.3, NM_002290.5); short protein forms G1765fs, G1772fs.
Identifiers: ClinVar variation 3222060 (VCV003222060.1), dbSNP rs2546964321, ClinGen allele CA2825001452.

ClinVar aggregate classification (germline): Uncertain significance (1 of 4 stars; one submission).

Conditions:
Cardiovascular phenotype. Identifiers: MedGen CN230736.

Submission:

Ambry Genetics
Classification: Uncertain significance for Cardiovascular phenotype. Last evaluated: 2023-12-12. Review status: criteria provided, single submitter. Criteria: Ambry Variant Classification Scheme 2023. Collection method: clinical testing. Allele origin: germline.
Comment: The c.5294delG variant, located in coding exon 37 of the LAMA4 gene, results from a deletion of one nucleotide at nucleotide position 5294, causing a translational frameshift with a predicted alternate stop codon (p.G1765Efs*8). This alteration is expected to result in protein truncation or nonsense-mediated mRNA decay. However, loss of function of LAMA4 has not been established as a mechanism of disease. The evidence for this gene-disease relationship is limited; therefore, the clinical significance of this alteration is unclear.